The following is an entry in ClinVar:

NM_007126.5(VCP):c.1988A>G (p.Lys663Arg)

Gene: VCP (valosin containing protein; minus strand). Cytogenetic location: 9p13.3.
Variant type: single nucleotide variant.
Coding change: c.1988A>G on transcript NM_007126.5 (MANE Select); coding-DNA position 1988, A replaced by G.
Protein change: p.Lys663Arg; replaces lysine 663 with arginine.
Molecular consequence: missense variant.
Genome position (GRCh38, 1-based): chr9:35,059,509, T>C on the plus strand (A>G on the coding strand, the complement: VCP is on the minus strand). VCF-style: chr9-35059509-T-C. GRCh37 (hg19) VCF-style: chr9-35059506-T-C.
Other names: c.1853A>G, p.Lys618Arg (NM_001354927.2, NM_001354928.2); short protein forms K618R, K663R.
Identifiers: ClinVar variation 3366093 (VCV003366093.1).

ClinVar aggregate classification (germline): Uncertain significance (1 of 4 stars; one submission).

gnomAD v4.1: 1 of 1,614,086 alleles (0.000062%); highest among the groups gnomAD compares: Non-Finnish European, 0.000085%; no homozygotes.

Submission:

GeneDx
Classification: Uncertain significance. Last evaluated: 2023-10-16. Review status: criteria provided, single submitter. Criteria: GeneDx Variant Classification Process June 2021. Collection method: clinical testing. Allele origin: germline. Affected: yes.
Comment: Reported as a variant of uncertain significance in an individual with motor neuron disease (Schiava et al., 2023); Not observed at significant frequency in large population cohorts (gnomAD); In silico analysis supports that this missense variant does not alter protein structure/function; This variant is associated with the following publications: (PMID: 35896379, 37588275)